The following is an entry in ClinVar:

NM_001875.5(CPS1):c.254C>A (p.Thr85Asn)

Gene: CPS1 (carbamoyl-phosphate synthase 1; plus strand). Cytogenetic location: 2q34.
Variant type: single nucleotide variant.
Coding change: c.254C>A on transcript NM_001875.5 (MANE Select); coding-DNA position 254, C replaced by A.
Protein change: p.Thr85Asn; replaces threonine 85 with asparagine.
Molecular consequence: missense variant. On other transcripts: non-coding transcript variant (1).
Genome position (GRCh38, 1-based): chr2:210,576,363, C>A. VCF-style: chr2-210576363-C-A. GRCh37 (hg19) VCF-style: chr2-211441087-C-A.
Other names: c.254C>A (LRG_336t1); c.254C>A, p.Thr85Asn (NM_001122633.3, NM_001369257.1); c.287C>A, p.Thr96Asn (NM_001369256.1); short protein forms T96N, T85N.
Identifiers: ClinVar variation 642261 (VCV000642261.6), dbSNP rs770250368, ClinGen allele CA350422875.

ClinVar aggregate classification (germline): Uncertain significance (1 of 4 stars; one submission).

Conditions:
Congenital hyperammonemia, type I. Also called: CPS I DEFICIENCY; Carbamoyl-phosphate synthase I deficiency; Carbamoyl phosphate synthetase 1 deficiency; Hyperammonemia due to carbamoyl phosphate synthetase 1 deficiency; CPS 1 deficiency; Carbamyl phosphate synthetase (CPS) deficiency. Identifiers: Orphanet 147, MedGen C4082171, MONDO:0009376, OMIM 237300.

Submission:

Labcorp Genetics (formerly Invitae), Labcorp
Classification: Uncertain significance for Congenital hyperammonemia, type I. Last evaluated: 2021-09-01. Review status: criteria provided, single submitter. Criteria: Invitae Variant Classification Sherloc (09022015). Collection method: clinical testing. Allele origin: germline.
Comment: This sequence change replaces threonine with asparagine at codon 85 of the CPS1 protein (p.Thr85Asn). The threonine residue is highly conserved and there is a small physicochemical difference between threonine and asparagine. This variant is not present in population databases (ExAC no frequency). This variant has not been reported in the literature in individuals affected with CPS1-related conditions. Algorithms developed to predict the effect of missense changes on protein structure and function are either unavailable or do not agree on the potential impact of this missense change (SIFT: "Deleterious"; PolyPhen-2: "Probably Damaging"; Align-GVGD: "Class C0"). In summary, the available evidence is currently insufficient to determine the role of this variant in disease. Therefore, it has been classified as a Variant of Uncertain Significance.